The following is an entry in ClinVar:

ClinVar aggregate classification (germline): Likely benign. Review status: criteria provided, multiple submitters, no conflicts (2 of 4 stars). 3 submissions from 3 submitters: Likely benign (3). Last evaluated 2026-07-07.

Conditions:
CFAP410-related disorder. Also called: CFAP410-related condition.

Allele frequency attached by ClinVar (database versions not stated): gnomAD 0.00002; gnomAD exomes 0.00002 and 0.00007; TOPMed 0.00005; ExAC 0.00008.
gnomAD v4.1: 25 of 1,471,756 alleles (0.0017%); highest among the groups gnomAD compares: Admixed American, 0.022%; no homozygotes.

Submissions (3):

PreventionGenetics, part of Exact Sciences
Classification: Likely benign for CFAP410-related condition. Last evaluated: 2026-07-07. Review status: criteria provided, single submitter. Criteria: ACMG Guidelines, 2015. Collection method: clinical testing. Allele origin: germline.
Comment: This variant is classified as likely benign based on ACMG/AMP sequence variant interpretation guidelines (Richards et al. 2015 PMID: 25741868, with internal and published modifications).

Labcorp Genetics (formerly Invitae), Labcorp
Classification: Likely benign. Last evaluated: 2025-08-12. Review status: criteria provided, single submitter. Criteria: Invitae Variant Classification Sherloc (09022015). Collection method: clinical testing. Allele origin: germline.

Blueprint Genetics
Classification: Likely benign. Last evaluated: 2024-04-12. Review status: criteria provided, single submitter. Criteria: ACMG Guidelines, 2015. Collection method: clinical testing. Allele origin: germline.

NM_004928.3(CFAP410):c.51G>A (p.Leu17=)

Genes: CFAP410 (cilia and flagella associated protein 410; minus strand), LOC130066823 (ATAC-STARR-seq lymphoblastoid silent region 13383; plus strand). Cytogenetic location: 21q22.3.
Variant type: single nucleotide variant.
Coding change: c.51G>A on transcript NM_004928.3 (MANE Select); coding-DNA position 51, G replaced by A.
Protein change: p.Leu17=; no amino-acid change (leucine 17 retained).
Molecular consequence: synonymous variant.
Genome position (GRCh38, 1-based): chr21:44,339,144, C>T on the plus strand (G>A on the coding strand, the complement: CFAP410 is on the minus strand). VCF-style: chr21-44339144-C-T. GRCh37 (hg19) VCF-style: chr21-45759027-C-T.
Other names: c.51G>A, p.Leu17= (NM_001271440.2, NM_001271441.2); c.51G>A (NM_004928.2).
Identifiers: ClinVar variation 1591300 (VCV001591300.10), dbSNP rs774640383, ClinGen allele CA10053912.